The following is an entry in ClinVar:

NM_016203.4(PRKAG2):c.636G>A (p.Pro212=)

Gene: PRKAG2 (protein kinase AMP-activated non-catalytic subunit gamma 2; minus strand). Cytogenetic location: 7q36.1.
Variant type: single nucleotide variant.
Coding change: c.636G>A on transcript NM_016203.4 (MANE Select); coding-DNA position 636, G replaced by A.
Protein change: p.Pro212=; no amino-acid change (proline 212 retained).
Molecular consequence: synonymous variant.
Genome position (GRCh38, 1-based): chr7:151,675,468, C>T on the plus strand (G>A on the coding strand, the complement: PRKAG2 is on the minus strand). VCF-style: chr7-151675468-C-T. GRCh37 (hg19) VCF-style: chr7-151372554-C-T.
Other names: c.504G>A, p.Pro168= (NM_001040633.2); c.264G>A, p.Pro88= (NM_001304527.2, NM_001363698.2).
Identifiers: ClinVar variation 701647 (VCV000701647.16), dbSNP rs149820808, ClinGen allele CA057737.

ClinVar aggregate classification (germline): Likely benign. Review status: criteria provided, multiple submitters, no conflicts (2 of 4 stars). 5 submissions from 5 submitters: Likely benign (5). Last evaluated 2025-12-21.

Conditions:
Lethal congenital glycogen storage disease of heart. Also called: GLYCOGEN STORAGE DISEASE OF HEART; PHOSPHORYLASE KINASE DEFICIENCY OF HEART. Identifiers: Orphanet 439854, MedGen C1849813, MONDO:0009867, OMIM 261740.
Cardiovascular phenotype. Identifiers: MedGen CN230736.
Cardiomyopathy (CMYO). Also called: Cardiomyopathies. Identifiers: Orphanet 167848, MedGen C0878544, MONDO:0004994, HP:0001638. Inheritance: Various modes of inheritance.
Hypertrophic cardiomyopathy. Also called: HYPERTROPHIC MYOCARDIOPATHY. Identifiers: Orphanet 217569, MedGen C0007194, MeSH D002312, MONDO:0005045, HP:0001639.

Allele frequency attached by ClinVar (database versions not stated): gnomAD exomes 0.00001; ExAC 0.00002; TOPMed 0.00006; ESP Exome Variant Server 0.00008.
gnomAD v4.1: 36 of 1,613,992 alleles (0.0022%); highest among the groups gnomAD compares: Non-Finnish European, 0.0026%; no homozygotes.

Submissions (5):

Labcorp Genetics (formerly Invitae), Labcorp
Classification: Likely benign for Lethal congenital glycogen storage disease of heart. Last evaluated: 2025-12-21. Review status: criteria provided, single submitter. Criteria: Invitae Variant Classification Sherloc (09022015). Collection method: clinical testing. Allele origin: germline.

Blueprint Genetics
Classification: Likely benign. Last evaluated: 2024-08-05. Review status: criteria provided, single submitter. Criteria: ACMG Guidelines, 2015. Collection method: clinical testing. Allele origin: germline.

All of Us Research Program, National Institutes of Health
Classification: Likely benign for Hypertrophic cardiomyopathy. Last evaluated: 2023-07-10. Review status: criteria provided, single submitter. Criteria: ACMG Guidelines, 2015. Collection method: clinical testing. Allele origin: germline. Inheritance: Autosomal dominant inheritance. Observed: 1 variant allele, 1 heterozygote.
Comment: This study involves interpretation of variants in research participants for the purpose of population health screening. Participant phenotype was not available at the time of variant classification. Additional details can be found in publication PMID: 35346344, PMCID: PMC8962531

Ambry Genetics
Classification: Likely benign for Cardiovascular phenotype. Last evaluated: 2022-04-09. Review status: criteria provided, single submitter. Criteria: Ambry Variant Classification Scheme 2023. Collection method: clinical testing. Allele origin: germline.

Color Diagnostics, LLC DBA Color Health
Classification: Likely benign for Cardiomyopathy. Last evaluated: 2018-12-10. Review status: criteria provided, single submitter. Criteria: ACMG Guidelines, 2015. Collection method: clinical testing. Allele origin: germline.